The following is an entry in ClinVar:

ClinVar aggregate classification (germline): Uncertain significance (1 of 4 stars; one submission).

gnomAD v4.1: 5 of 1,614,148 alleles (0.00031%); highest among the groups gnomAD compares: Non-Finnish European, 0.00042%; no homozygotes.

Submission:

Labcorp Genetics (formerly Invitae), Labcorp
Classification: Uncertain significance. Last evaluated: 2025-05-26. Review status: criteria provided, single submitter. Criteria: Invitae Variant Classification Sherloc (09022015). Collection method: clinical testing. Allele origin: germline.
Comment: This sequence change replaces lysine, which is basic and polar, with threonine, which is neutral and polar, at codon 3716 of the HMCN1 protein (p.Lys3716Thr). This variant is present in population databases (rs41317487, gnomAD 0.0009%). This variant has not been reported in the literature in individuals affected with HMCN1-related conditions. An algorithm developed to predict the effect of missense changes on protein structure and function outputs the following: PolyPhen-2: "Benign". The threonine amino acid residue is found in multiple mammalian species, which suggests that this missense change does not adversely affect protein function. In summary, the available evidence is currently insufficient to determine the role of this variant in disease. Therefore, it has been classified as a Variant of Uncertain Significance.

NM_031935.3(HMCN1):c.11147A>C (p.Lys3716Thr)

Gene: HMCN1 (hemicentin 1; plus strand). Cytogenetic location: 1q31.1.
Variant type: single nucleotide variant.
Coding change: c.11147A>C on transcript NM_031935.3 (MANE Select); coding-DNA position 11147, A replaced by C.
Protein change: p.Lys3716Thr; replaces lysine 3716 with threonine.
Molecular consequence: missense variant.
Genome position (GRCh38, 1-based): chr1:186,113,994, A>C. VCF-style: chr1-186113994-A-C. GRCh37 (hg19) VCF-style: chr1-186083126-A-C.
Other names: short protein forms K3716T.
Identifiers: ClinVar variation 4762387 (VCV004762387.1).